The following is an entry in ClinVar:

ClinVar aggregate classification (germline): Uncertain significance (1 of 4 stars; one submission).

Conditions:
Charcot-Marie-Tooth disease type 4. Also called: Charcot-Marie-Tooth, Type 4; Charcot-Marie-Tooth disease, type IV. Identifiers: Orphanet 64749, MedGen C4082197, MONDO:0018995.

Allele frequency attached by ClinVar (database versions not stated): gnomAD exomes below 0.00001 and 0.00001.
gnomAD v4.1: 18 of 1,613,118 alleles (0.0011%); highest among the groups gnomAD compares: Non-Finnish European, 0.0015%; no homozygotes.

Submission:

Labcorp Genetics (formerly Invitae), Labcorp
Classification: Uncertain significance for Charcot-Marie-Tooth disease type 4. Last evaluated: 2021-06-13. Review status: criteria provided, single submitter. Criteria: Invitae Variant Classification Sherloc (09022015). Collection method: clinical testing. Allele origin: germline.
Comment: In summary, the available evidence is currently insufficient to determine the role of this variant in disease. Therefore, it has been classified as a Variant of Uncertain Significance. Algorithms developed to predict the effect of missense changes on protein structure and function (SIFT, PolyPhen-2, Align-GVGD) all suggest that this variant is likely to be tolerated, but these predictions have not been confirmed by published functional studies and their clinical significance is uncertain. This variant has not been reported in the literature in individuals with MTMR2-related conditions. This variant is not present in population databases (ExAC no frequency). This sequence change replaces isoleucine with leucine at codon 618 of the MTMR2 protein (p.Ile618Leu). The isoleucine residue is moderately conserved and there is a small physicochemical difference between isoleucine and leucine.

NM_016156.6(MTMR2):c.1852A>C (p.Ile618Leu)

Gene: MTMR2 (myotubularin related protein 2; minus strand). Cytogenetic location: 11q21.
Variant type: single nucleotide variant.
Coding change: c.1852A>C on transcript NM_016156.6 (MANE Select); coding-DNA position 1852, A replaced by C.
Protein change: p.Ile618Leu; replaces isoleucine 618 with leucine.
Molecular consequence: missense variant.
Genome position (GRCh38, 1-based): chr11:95,835,370, T>G on the plus strand (A>C on the coding strand, the complement: MTMR2 is on the minus strand). VCF-style: chr11-95835370-T-G. GRCh37 (hg19) VCF-style: chr11-95568534-T-G.
Other names: c.1636A>C, p.Ile546Leu (NM_001243571.2, NM_201278.3, NM_201281.3); short protein forms I546L, I618L.
Identifiers: ClinVar variation 663506 (VCV000663506.8), dbSNP rs1392067749, ClinGen allele CA382412621.